The following is an entry in ClinVar:

ClinVar aggregate classification (germline): Uncertain significance (1 of 4 stars; one submission).

Submission:

Ambry Genetics
Classification: Uncertain significance. Last evaluated: 2023-06-28. Review status: criteria provided, single submitter. Criteria: Ambry Variant Classification Scheme 2023. Collection method: clinical testing. Allele origin: germline.
Comment: The p.E1158D variant (also known as c.3474A>T), located in coding exon 17 of the NPAT gene, results from an A to T substitution at nucleotide position 3474. The glutamic acid at codon 1158 is replaced by aspartic acid, an amino acid with highly similar properties. This amino acid position is conserved. In addition, this alteration is predicted to be tolerated by in silico analysis. Since supporting evidence is limited at this time, the clinical significance of this alteration remains unclear.

NM_002519.3(NPAT):c.3474A>T (p.Glu1158Asp)

Gene: NPAT (nuclear protein, coactivator of histone transcription; minus strand). Cytogenetic location: 11q22.3.
Variant type: single nucleotide variant.
Coding change: c.3474A>T on transcript NM_002519.3 (MANE Select); coding-DNA position 3474, A replaced by T.
Protein change: p.Glu1158Asp; replaces glutamic acid 1158 with aspartic acid.
Molecular consequence: missense variant.
Genome position (GRCh38, 1-based): chr11:108,161,612, T>A on the plus strand (A>T on the coding strand, the complement: NPAT is on the minus strand). VCF-style: chr11-108161612-T-A. GRCh37 (hg19) VCF-style: chr11-108032339-T-A.
Other names: c.3495A>T, p.Glu1165Asp (NM_001321307.1); short protein forms E1165D, E1158D.
Identifiers: ClinVar variation 2587658 (VCV002587658.2), dbSNP rs2496695858, ClinGen allele CA382510736.
Genomic context (GRCh38, chr11:108,161,612, plus strand): 5'-CTGTCTTTCTACATCGCTGCATAATTCATTCTCCTTATTAGCTGTTGCTTTATGGAAAGA[T>A]TCAAGCACAATTTCTGTTGGTGAAACTTTCTTTTCTGATTGAGTTTCTCTTATGGTGGTA-3'
Protein context (NP_002510.2, residues 1148-1168): KKVSPTEIVL[Glu1158Asp]SFHKATANKE